The following is an entry in ClinVar:

ClinVar aggregate classification (germline): Uncertain significance (1 of 4 stars; one submission).

Submission:

Dasa
Classification: Uncertain significance. Last evaluated: 2025-09-08. Review status: criteria provided, single submitter. Criteria: DASA Assertion Criteria. Collection method: clinical testing. Allele origin: germline.
Comment: NM_000660.7(TGFB1):c.868_870del (p.Glu290del) is an in-frame deletion predicted to remove glutamic acid at protein position 290 without shifting the reading frame. This variant is absent from population databases. The currently available literature and clinical evidence are not sufficient to establish a definitive association between this variant and the reported condition. Therefore, this variant is classified as a variant of uncertain significance.

NM_000660.7(TGFB1):c.868_870del (p.Glu290del)

Gene: TGFB1 (transforming growth factor beta 1; minus strand). Cytogenetic location: 19q13.2.
Variant type: Deletion.
Coding change: c.868_870del on transcript NM_000660.7 (MANE Select); coding-DNA positions 868 to 870, 3 bases deleted (GAG; older notation c.868_870delGAG).
Protein change: p.Glu290del; deletes glutamic acid 290.
Molecular consequence: inframe deletion.
Genome position (GRCh38, 1-based): chr19:41,332,272-41,332,274, CTC deleted on the plus strand (GAG on the coding strand, the reverse complement: TGFB1 is on the minus strand); deleting any 3 consecutive bases within chr19:41,332,272-41,332,275 gives the same sequence; the c. name uses the placement nearest the transcript's 3' end. VCF-style (leftmost placement, unchanged base first): chr19-41332271-TCTC-T. GRCh37 (hg19) VCF-style: chr19-41838176-TCTC-T.
Other names: short protein forms E290del.
Identifiers: ClinVar variation 4886335 (VCV004886335.2).